The following is an entry in ClinVar:

NM_001376.5(DYNC1H1):c.256+1G>A

Gene: DYNC1H1 (dynein cytoplasmic 1 heavy chain 1; plus strand). Cytogenetic location: 14q32.31.
Variant type: single nucleotide variant.
Coding change: c.256+1G>A on transcript NM_001376.5 (MANE Select); the canonical splice donor site of the intron after coding-DNA position 256, G replaced by A.
Molecular consequence: splice donor variant.
Genome position (GRCh38, 1-based): chr14:101,964,948, G>A. VCF-style: chr14-101964948-G-A. GRCh37 (hg19) VCF-style: chr14-102431285-G-A.
Identifiers: ClinVar variation 4996958 (VCV004996958.1).

ClinVar aggregate classification (germline): Uncertain significance (1 of 4 stars; one submission).

Conditions:
DYNC1H1-related disorder. Also called: DYNC1H1-related condition; DYNC1H1-related disorders. Identifiers: MedGen CN381529.

Submission:

PreventionGenetics, part of Exact Sciences
Classification: Uncertain significance for DYNC1H1-related condition. Last evaluated: 2025-03-19. Review status: criteria provided, single submitter. Criteria: ACMG Guidelines, 2015. Collection method: clinical testing. Allele origin: germline.
Comment: The DYNC1H1 c.256+1G>A variant is predicted to disrupt the GT donor site and interfere with normal splicing. To our knowledge, this variant has not been reported in the literature or in a large population database (gnomAD), indicating this variant is rare. Although we suspect that this variant may be pathogenic, at this time, the clinical significance of this variant is uncertain due to the absence of conclusive functional and genetic evidence.